The following is an entry in ClinVar:

NM_015340.4(LARS2):c.1239+1G>A

Genes: LARS2 (leucyl-tRNA synthetase 2, mitochondrial; plus strand), LARS2-AS1 (LARS2 antisense RNA 1; minus strand). Cytogenetic location: 3p21.31.
Variant type: single nucleotide variant.
Coding change: c.1239+1G>A on transcript NM_015340.4 (MANE Select); the canonical splice donor site of the intron after coding-DNA position 1239, G replaced by A.
Molecular consequence: splice donor variant.
Genome position (GRCh38, 1-based): chr3:45,488,813, G>A. VCF-style: chr3-45488813-G-A. GRCh37 (hg19) VCF-style: chr3-45530305-G-A.
Other names: c.1239+1G>A (NM_001368263.1).
Identifiers: ClinVar variation 3601183 (VCV003601183.2).

ClinVar aggregate classification (germline): Pathogenic/Likely pathogenic. Review status: criteria provided, multiple submitters, no conflicts (2 of 4 stars). 2 submissions from 2 submitters: Pathogenic (1); Likely pathogenic (1). Last evaluated 2025-01-09.

Conditions:
Perrault syndrome 4 (PRLTS4). Identifiers: Orphanet 2855, MedGen C3809105, MONDO:0014126, OMIM 615300.
Hydrops-lactic acidosis-sideroblastic anemia-multisystemic failure syndrome. Also called: Hydrops, lactic acidosis, and sideroblastic anemia. Identifiers: Orphanet 528091, MedGen C4310761, MONDO:0014869, OMIM 617021.

gnomAD v4.1: 3 of 1,574,358 alleles (0.00019%); highest among the groups gnomAD compares: East Asian, 0.0067%; no homozygotes.

Submissions (2):

Institute of Rare Diseases, West China Hospital, Sichuan University
Classification: Pathogenic for Perrault syndrome 4. Last evaluated: 2025-01-09. Review status: criteria provided, single submitter. Criteria: ClinGen HL ACMG Specifications v1. Collection method: research. Allele origin: germline. Affected: yes.
Comment: PVS1;PM3_Strong;PM2_Supporting

Juno Genomics, Hangzhou Juno Genomics, Inc
Classification: Likely pathogenic for Hydrops-lactic acidosis-sideroblastic anemia-multisystemic failure syndrome; Perrault syndrome 4. Review status: criteria provided, single submitter. Criteria: ACMG Guidelines, 2015. Collection method: clinical testing. Allele origin: germline. Affected: yes.
Comment: Absent from controls (or at extremely low frequency if recessive) in Genome Aggregation Database.;Null variant in a gene where loss of function (LOF) is a known mechanism of disease.